The following is an entry in ClinVar:

ClinVar aggregate classification (germline): Uncertain significance (1 of 4 stars; one submission).

Conditions:
Inborn genetic diseases. Identifiers: MedGen C0950123, MeSH D030342.

Submission:

Ambry Genetics
Classification: Uncertain significance for Inborn genetic diseases. Last evaluated: 2026-04-17. Review status: criteria provided, single submitter. Criteria: Ambry Variant Classification Scheme 2023. Collection method: clinical testing. Allele origin: germline.
Comment: The c.952A>G (p.K318E) alteration is located in exon 8 (coding exon 8) of the SLC9A6 gene. This alteration results from a A to G substitution at nucleotide position 952, causing the lysine (K) at amino acid position 318 to be replaced by a glutamic acid (E). This variant was not reported in population-based cohorts in the Genome Aggregation Database (gnomAD). This nucleotide position is highly conserved in available vertebrate species. This amino acid position is highly conserved in available vertebrate species. RNA studies have demonstrated that this variant does not result in abnormal splicing in the set of samples tested (Ambry internal data). This alteration is predicted to be deleterious by in silico analysis. Based on insufficient or conflicting evidence, the clinical significance of this alteration remains unclear.

NM_001379110.1(SLC9A6):c.892A>G (p.Lys298Glu)

Gene: SLC9A6 (solute carrier family 9 member A6; plus strand). Cytogenetic location: Xq26.3.
Variant type: single nucleotide variant.
Coding change: c.892A>G on transcript NM_001379110.1 (MANE Select); coding-DNA position 892, A replaced by G.
Protein change: p.Lys298Glu; replaces lysine 298 with glutamic acid.
Molecular consequence: missense variant.
Genome position (GRCh38, 1-based): chrX:136,012,955, A>G. VCF-style: chrX-136012955-A-G. GRCh37 (hg19) VCF-style: chrX-135095114-A-G.
Other names: c.1048A>G, p.Lys350Glu (NM_001042537.2, NM_001438742.1); c.892A>G, p.Lys298Glu (NM_001177651.2, NM_001400909.1, NM_001400910.1 and 2 more transcripts); c.796A>G, p.Lys266Glu (NM_001330652.2, NM_001400913.1); c.952A>G, p.Lys318Glu (NM_006359.3); short protein forms K298E, K318E, K266E, K350E.
Identifiers: ClinVar variation 4169334 (VCV004169334.2).